The following is an entry in ClinVar:

ClinVar aggregate classification (germline): Uncertain significance (1 of 4 stars; one submission).

gnomAD v4.1: 42 of 1,491,898 alleles (0.0028%); highest among the groups gnomAD compares: Middle Eastern, 0.019%; no homozygotes.

Submission:

Mayo Clinic Laboratories, Mayo Clinic
Classification: Uncertain significance. Last evaluated: 2025-12-17. Review status: criteria provided, single submitter. Criteria: ACMG Guidelines, 2015. Collection method: clinical testing. Allele origin: germline. Observed: 1 variant allele.
Comment: BP4

NM_001367624.2(ZNF469):c.3206C>T (p.Ala1069Val)

Genes: ZNF469 (zinc finger protein 469; plus strand), LOC130059718 (ATAC-STARR-seq lymphoblastoid silent region 7847; plus strand). Cytogenetic location: 16q24.2.
Variant type: single nucleotide variant.
Coding change: c.3206C>T on transcript NM_001367624.2 (MANE Select); coding-DNA position 3206, C replaced by T.
Protein change: p.Ala1069Val; replaces alanine 1069 with valine.
Molecular consequence: missense variant.
Genome position (GRCh38, 1-based): chr16:88,430,676, C>T. VCF-style: chr16-88430676-C-T. GRCh37 (hg19) VCF-style: chr16-88497084-C-T.
Other names: p.Ala1069Val; short protein forms A1069V.
Identifiers: ClinVar variation 4542059 (VCV004542059.1).
Genomic context (GRCh38, chr16:88,430,676, plus strand): 5'-AGCTCATTCTGAAGATCGTGCAGCAGAAGAACAGGCGCCACCGGCGGCTGGGGCGGCGGG[C>T]GGGCAGGTGCGGCTCCCTGGCGGCGGGGAGGCCCCGGCCCGGAGCTGAGGACCGCAGGCT-3'
Protein context (NP_001354553.1, residues 1059-1079): NRRHRRLGRR[Ala1069Val]GRCGSLAAGR